The following is an entry in ClinVar:

NM_014068.3(PSORS1C1):c.127C>T (p.Pro43Ser)

Genes: PSORS1C1 (psoriasis susceptibility 1 candidate 1; plus strand), PSORS1C2 (psoriasis susceptibility 1 candidate 2; minus strand). Cytogenetic location: 6p21.33.
Variant type: single nucleotide variant.
Coding change: c.127C>T on transcript NM_014068.3 (MANE Select); coding-DNA position 127, C replaced by T.
Protein change: p.Pro43Ser; replaces proline 43 with serine.
Molecular consequence: missense variant. On other transcripts: intron variant (1).
Genome position (GRCh38, 1-based): chr6:31,138,739, C>T. VCF-style: chr6-31138739-C-T. GRCh37 (hg19) VCF-style: chr6-31106516-C-T.
Other names: c.55+233G>A (NM_014069.3); short protein forms P43S.
Identifiers: ClinVar variation 3059976 (VCV003059976.2), dbSNP rs9501057, ClinGen allele CA3708787.

ClinVar aggregate classification (germline): Benign (0 of 4 stars; one submission).

Conditions:
PSORS1C1-related disorder. Also called: PSORS1C1-related condition.

Allele frequency attached by ClinVar (database versions not stated): gnomAD exomes 0.03284; ExAC 0.04783; ESP Exome Variant Server 0.06114; gnomAD 0.06352; 1000 Genomes Project 30x 0.09354; 1000 Genomes Project 0.09485.
gnomAD v4.1: 58,470 of 1,613,950 alleles (3.6%); highest among the groups gnomAD compares: East Asian, 18%; 2,128 homozygotes.

Submission:

PreventionGenetics, part of Exact Sciences
Classification: Benign for PSORS1C1-related condition. Last evaluated: 2019-12-09. Review status: no assertion criteria provided. Collection method: clinical testing. Allele origin: germline.
Comment: This variant is classified as benign based on ACMG/AMP sequence variant interpretation guidelines (Richards et al. 2015 PMID: 25741868, with internal and published modifications).